The following is an entry in ClinVar:

ClinVar aggregate classification (germline): Uncertain significance. Review status: criteria provided, multiple submitters, no conflicts (2 of 4 stars). 2 submissions from 2 submitters: Uncertain significance (2). Last evaluated 2026-07-06.

Conditions:
Hereditary cancer-predisposing syndrome. Also called: Tumor predisposition; Hereditary Cancer Syndrome; Hereditary neoplastic syndrome; Neoplastic Syndromes, Hereditary. Identifiers: Orphanet 140162, MedGen C0027672, MeSH D009386, MONDO:0015356.
Gorlin syndrome. Also called: Nevoid Basal Cell Carcinoma Syndrome; Basal cell nevus syndrome. Identifiers: Orphanet 377, MedGen C0004779, MONDO:0007187.

Submissions (2):

Ambry Genetics
Classification: Uncertain significance for Hereditary cancer-predisposing syndrome. Last evaluated: 2026-07-06. Review status: criteria provided, single submitter. Criteria: Ambry Variant Classification Scheme 2023. Collection method: clinical testing. Allele origin: germline.
Comment: The p.A1088G variant (also known as c.3263C>G), located in coding exon 21 of the PTCH1 gene, results from a C to G substitution at nucleotide position 3263. The alanine at codon 1088 is replaced by glycine, an amino acid with similar properties. This amino acid position is conserved. In addition, this alteration is predicted to be deleterious by in silico analysis. Based on the available evidence, the clinical significance of this variant remains unclear.

Labcorp Genetics (formerly Invitae), Labcorp
Classification: Uncertain significance for Gorlin syndrome. Last evaluated: 2020-03-08. Review status: criteria provided, single submitter. Criteria: Invitae Variant Classification Sherloc (09022015). Collection method: clinical testing. Allele origin: germline.
Comment: In summary, the available evidence is currently insufficient to determine the role of this variant in disease. Therefore, it has been classified as a Variant of Uncertain Significance. Algorithms developed to predict the effect of sequence changes on RNA splicing suggest that this variant may create or strengthen a splice site, but this prediction has not been confirmed by published transcriptional studies. Algorithms developed to predict the effect of missense changes on protein structure and function (SIFT, PolyPhen-2, Align-GVGD) all suggest that this variant is likely to be tolerated, but these predictions have not been confirmed by published functional studies and their clinical significance is uncertain. This variant has not been reported in the literature in individuals with PTCH1-related conditions. This variant is not present in population databases (ExAC no frequency). This sequence change replaces alanine with glycine at codon 1154 of the PTCH1 protein (p.Ala1154Gly). The alanine residue is moderately conserved and there is a small physicochemical difference between alanine and glycine.

NM_000264.5(PTCH1):c.3461C>G (p.Ala1154Gly)

Gene: PTCH1 (patched 1; minus strand). Cytogenetic location: 9q22.32.
Variant type: single nucleotide variant.
Coding change: c.3461C>G on transcript NM_000264.5 (MANE Select); coding-DNA position 3461, C replaced by G.
Protein change: p.Ala1154Gly; replaces alanine 1154 with glycine.
Molecular consequence: missense variant. On other transcripts: non-coding transcript variant (1).
Genome position (GRCh38, 1-based): chr9:95,449,929, G>C on the plus strand (C>G on the coding strand, the complement: PTCH1 is on the minus strand). VCF-style: chr9-95449929-G-C. GRCh37 (hg19) VCF-style: chr9-98212211-G-C.
Other names: c.3263C>G (NM_001083602.1); c.3263C>G, p.Ala1088Gly (NM_001083602.3); c.3458C>G, p.Ala1153Gly (NM_001083603.3); c.3008C>G, p.Ala1003Gly (NM_001083604.3, NM_001083605.3, NM_001083606.3 and 1 more transcripts); c.3305C>G, p.Ala1102Gly (NM_001354918.2); short protein forms A1003G, A1088G, A1102G, A1153G, A1154G.
Identifiers: ClinVar variation 1004858 (VCV001004858.10), dbSNP rs1838315753, ClinGen allele CA374111607.